The following is an entry in ClinVar:

ClinVar aggregate classification (germline): Conflicting classifications of pathogenicity. Review status: criteria provided, conflicting classifications (1 of 4 stars). 2 submissions from 2 submitters: Uncertain significance (1); Likely benign (1). Last evaluated 2026-08-10.

Conditions:
Congenital contractural arachnodactyly (CCA). Also called: BEALS SYNDROME; Arthrogryposis, distal, type 9; Beals-Hecht syndrome. Identifiers: Orphanet 115, MedGen C0220668, MONDO:0007363, OMIM 121050.
Familial thoracic aortic aneurysm and aortic dissection (TAAD). Also called: Thoracic aortic aneurysms and dissections. Identifiers: Orphanet 91387, MedGen C4707243, MONDO:0019625.

Allele frequency attached by ClinVar (database versions not stated): ExAC 0.00001; TOPMed 0.00007; ESP Exome Variant Server 0.00008; gnomAD 0.00006.
gnomAD v4.1: 14 of 1,613,990 alleles (0.00087%); highest among the groups gnomAD compares: African/African-American, 0.019%; no homozygotes.

Submissions (2):

Ambry Genetics
Classification: Uncertain significance for Familial thoracic aortic aneurysm and aortic dissection. Last evaluated: 2026-08-10. Review status: criteria provided, single submitter. Criteria: Ambry Variant Classification Scheme 2023. Collection method: clinical testing. Allele origin: germline.
Comment: The p.P1303L variant (also known as c.3908C>T), located in coding exon 30 of the FBN2 gene, results from a C to T substitution at nucleotide position 3908. The proline at codon 1303 is replaced by leucine, an amino acid with similar properties. This amino acid position is conserved. In addition, this alteration is predicted to be deleterious by in silico analysis. Based on the available evidence, the clinical significance of this variant remains unclear.

Labcorp Genetics (formerly Invitae), Labcorp
Classification: Likely benign for Congenital contractural arachnodactyly. Last evaluated: 2025-02-20. Review status: criteria provided, single submitter. Criteria: Invitae Variant Classification Sherloc (09022015). Collection method: clinical testing. Allele origin: germline.

NM_001999.4(FBN2):c.3908C>T (p.Pro1303Leu)

Gene: FBN2 (fibrillin 2; minus strand). Cytogenetic location: 5q23.3.
Variant type: single nucleotide variant.
Coding change: c.3908C>T on transcript NM_001999.4 (MANE Select); coding-DNA position 3908, C replaced by T.
Protein change: p.Pro1303Leu; replaces proline 1303 with leucine.
Molecular consequence: missense variant.
Genome position (GRCh38, 1-based): chr5:128,335,235, G>A on the plus strand (C>T on the coding strand, the complement: FBN2 is on the minus strand). VCF-style: chr5-128335235-G-A. GRCh37 (hg19) VCF-style: chr5-127670927-G-A.
Other names: c.3908C>T (NM_001999.3); short protein forms P1303L.
Identifiers: ClinVar variation 1018262 (VCV001018262.10), dbSNP rs144505094, ClinGen allele CA3395103.